The following is an entry in ClinVar:

NM_001605.3(AARS1):c.744A>G (p.Val248=)

Gene: AARS1 (alanyl-tRNA synthetase 1; minus strand). Cytogenetic location: 16q22.1.
Variant type: single nucleotide variant.
Coding change: c.744A>G on transcript NM_001605.3 (MANE Select); coding-DNA position 744, A replaced by G.
Protein change: p.Val248=; no amino-acid change (valine 248 retained).
Molecular consequence: synonymous variant.
Genome position (GRCh38, 1-based): chr16:70,270,268, T>C on the plus strand (A>G on the coding strand, the complement: AARS1 is on the minus strand). VCF-style: chr16-70270268-T-C. GRCh37 (hg19) VCF-style: chr16-70304171-T-C.
Identifiers: ClinVar variation 695929 (VCV000695929.15), dbSNP rs752618189, ClinGen allele CA8141054.

ClinVar aggregate classification (germline): Benign/Likely benign. Review status: criteria provided, multiple submitters, no conflicts (2 of 4 stars). 2 submissions from 2 submitters: Benign (1); Likely benign (1). Last evaluated 2026-02-03.

Conditions:
Charcot-Marie-Tooth disease type 2. Also called: Charcot-Marie-Tooth type 2. Identifiers: Orphanet 64746, MedGen C0270914, MONDO:0018993.

Allele frequency attached by ClinVar (database versions not stated): gnomAD exomes 0.00006 and 0.00025; gnomAD 0.00013; ExAC 0.00014; TOPMed 0.00017.
gnomAD v4.1: 105 of 1,614,184 alleles (0.0065%); highest among the groups gnomAD compares: Admixed American, 0.16%; 1 homozygote.

Submissions (2):

Labcorp Genetics (formerly Invitae), Labcorp
Classification: Benign for Charcot-Marie-Tooth disease type 2. Last evaluated: 2026-02-03. Review status: criteria provided, single submitter. Criteria: Invitae Variant Classification Sherloc (09022015). Collection method: clinical testing. Allele origin: germline.

CeGaT Center for Human Genetics Tuebingen
Classification: Likely benign. Last evaluated: 2025-12-01. Review status: criteria provided, single submitter. Criteria: CeGaT Center For Human Genetics Tuebingen Variant Classification Criteria Version 2. Collection method: clinical testing. Allele origin: germline. Affected: yes. Observed: 2 variant alleles.
Comment: AARS1: BP4, BP7